The following is an entry in ClinVar:

ClinVar aggregate classification (germline): Pathogenic (1 of 4 stars; one submission).

Submission:

Labcorp Genetics (formerly Invitae), Labcorp
Classification: Pathogenic. Last evaluated: 2023-06-27. Review status: criteria provided, single submitter. Criteria: Invitae Variant Classification Sherloc (09022015). Collection method: clinical testing. Allele origin: germline.
Comment: For these reasons, this variant has been classified as Pathogenic. This variant disrupts a region of the POU1F1 protein in which other variant(s) (p.Arg265Trp) have been determined to be pathogenic (PMID: 22010633, 27541381, 32894409). This suggests that this is a clinically significant region of the protein, and that variants that disrupt it are likely to be disease-causing. This variant has not been reported in the literature in individuals affected with POU1F1-related conditions. This variant is not present in population databases (gnomAD no frequency). This sequence change creates a premature translational stop signal (p.Trp261*) in the POU1F1 gene. While this is not anticipated to result in nonsense mediated decay, it is expected to disrupt the last 31 amino acid(s) of the POU1F1 protein.

Literature cited by the submitters: PubMed 22010633; PubMed 27541381; PubMed 32894409.

NM_000306.4(POU1F1):c.783G>A (p.Trp261Ter)

Gene: POU1F1 (POU class 1 homeobox 1; minus strand). Cytogenetic location: 3p11.2.
Variant type: single nucleotide variant.
Coding change: c.783G>A on transcript NM_000306.4 (MANE Select); coding-DNA position 783, G replaced by A.
Protein change: p.Trp261Ter; replaces tryptophan 261 with a stop codon.
Molecular consequence: nonsense.
Genome position (GRCh38, 1-based): chr3:87,259,987, C>T on the plus strand (G>A on the coding strand, the complement: POU1F1 is on the minus strand). VCF-style: chr3-87259987-C-T. GRCh37 (hg19) VCF-style: chr3-87309137-C-T.
Other names: c.861G>A, p.Trp287Ter (NM_001122757.3); short protein forms W287*, W261*.
Identifiers: ClinVar variation 2730117 (VCV002730117.3), dbSNP rs2471783330, ClinGen allele CA353698152.